The following is an entry in ClinVar:

ClinVar aggregate classification (germline): Uncertain significance (1 of 4 stars; one submission).

Conditions:
Leukocyte adhesion deficiency 1 (LAD1). Also called: LEUKOCYTE ADHESION DEFICIENCY, TYPE I; LAD 1; Lymphocyte function-associated antigen 1 immunodeficiency; LFA 1 immunodeficiency. Identifiers: Orphanet 2968, Orphanet 99842, MedGen C0398738, MONDO:0007293, OMIM 116920.

Allele frequency attached by ClinVar (database versions not stated): gnomAD 0.00003; TOPMed 0.00005.
gnomAD v4.1: 43 of 1,577,778 alleles (0.0027%); highest among the groups gnomAD compares: South Asian, 0.008%; no homozygotes.

Submission:

Labcorp Genetics (formerly Invitae), Labcorp
Classification: Uncertain significance for Leukocyte adhesion deficiency 1. Last evaluated: 2022-08-02. Review status: criteria provided, single submitter. Criteria: Invitae Variant Classification Sherloc (09022015). Collection method: clinical testing. Allele origin: germline.
Comment: This sequence change replaces glycine, which is neutral and non-polar, with arginine, which is basic and polar, at codon 560 of the ITGB2 protein (p.Gly560Arg). This variant is present in population databases (rs747266748, gnomAD 0.008%). This variant has not been reported in the literature in individuals affected with ITGB2-related conditions. ClinVar contains an entry for this variant (Variation ID: 643337). Algorithms developed to predict the effect of missense changes on protein structure and function (SIFT, PolyPhen-2, Align-GVGD) all suggest that this variant is likely to be disruptive. Algorithms developed to predict the effect of sequence changes on RNA splicing suggest that this variant may create or strengthen a splice site. In summary, the available evidence is currently insufficient to determine the role of this variant in disease. Therefore, it has been classified as a Variant of Uncertain Significance.

NM_000211.5(ITGB2):c.1678G>A (p.Gly560Arg)

Gene: ITGB2 (integrin subunit beta 2; minus strand). Cytogenetic location: 21q22.3.
Variant type: single nucleotide variant.
Coding change: c.1678G>A on transcript NM_000211.5 (MANE Select); coding-DNA position 1678, G replaced by A.
Protein change: p.Gly560Arg; replaces glycine 560 with arginine.
Molecular consequence: missense variant.
Genome position (GRCh38, 1-based): chr21:44,889,475, C>T on the plus strand (G>A on the coding strand, the complement: ITGB2 is on the minus strand). VCF-style: chr21-44889475-C-T. GRCh37 (hg19) VCF-style: chr21-46309390-C-T.
Other names: c.1678G>A, p.Gly560Arg (NM_001127491.3); c.1471G>A, p.Gly491Arg (NM_001303238.2); short protein forms G560R, G491R.
Identifiers: ClinVar variation 643337 (VCV000643337.8), dbSNP rs747266748, ClinGen allele CA10062733.